The following is an entry in ClinVar:

NM_007118.4(TRIO):c.2923C>G (p.Leu975Val)

Gene: TRIO (trio Rho guanine nucleotide exchange factor; plus strand). Cytogenetic location: 5p15.2.
Variant type: single nucleotide variant.
Coding change: c.2923C>G on transcript NM_007118.4 (MANE Select); coding-DNA position 2923, C replaced by G.
Protein change: p.Leu975Val; replaces leucine 975 with valine.
Molecular consequence: missense variant. On other transcripts: non-coding transcript variant (1).
Genome position (GRCh38, 1-based): chr5:14,368,756, C>G. VCF-style: chr5-14368756-C-G. GRCh37 (hg19) VCF-style: chr5-14368865-C-G.
Other names: short protein forms L975V.
Identifiers: ClinVar variation 4536853 (VCV004536853.1).
Genomic context (GRCh38, chr5:14,368,756, plus strand): 5'-CTCTGTCTCTAGAAAACACATCAGAGCGCGCTGCAGGTGCAGCAGAAGGCAGAAGCCATG[C>G]TACAGGCCAACCACTACGACATGGACATGATCCGGGACTGCGCCGAGAAGGTGGCGTCTC-3'
Protein context (NP_009049.2, residues 965-985): LQVQQKAEAM[Leu975Val]QANHYDMDMI

ClinVar aggregate classification (germline): Uncertain significance (1 of 4 stars; one submission).

gnomAD v4.1: 2 of 1,613,988 alleles (0.00012%); highest among the groups gnomAD compares: African/African-American, 0.0027%; no homozygotes.

Submission:

Women's Health and Genetics/Laboratory Corporation of America, LabCorp
Classification: Uncertain significance. Last evaluated: 2025-11-11. Review status: criteria provided, single submitter. Criteria: LabCorp Variant Classification Summary - May 2015. Collection method: clinical testing. Allele origin: germline.
Comment: Variant summary: TRIO c.2923C>G (p.Leu975Val) results in a conservative amino acid change in the encoded protein sequence. Algorithms developed to predict the effect of missense changes on protein structure and function are either unavailable or do not agree on the potential impact of this missense change. The variant allele was found at a frequency of 4e-06 in 251260 control chromosomes. The available data on variant occurrences in the general population are insufficient to allow any conclusion about variant significance. To our knowledge, no occurrence of c.2923C>G in individuals affected with TRIO-related conditions and no experimental evidence demonstrating its impact on protein function have been reported. No submitters have cited clinical-significance assessments for this variant to ClinVar. Based on the evidence outlined above, the variant was classified as uncertain significance.